The following is an entry in ClinVar:

NM_021942.6(TRAPPC11):c.1046A>G (p.Tyr349Cys)

Gene: TRAPPC11 (trafficking protein particle complex subunit 11; plus strand). Cytogenetic location: 4q35.1.
Variant type: single nucleotide variant.
Coding change: c.1046A>G on transcript NM_021942.6 (MANE Select); coding-DNA position 1046, A replaced by G.
Protein change: p.Tyr349Cys; replaces tyrosine 349 with cysteine.
Molecular consequence: missense variant.
Genome position (GRCh38, 1-based): chr4:183,680,200, A>G. VCF-style: chr4-183680200-A-G. GRCh37 (hg19) VCF-style: chr4-184601353-A-G.
Other names: c.1046A>G, p.Tyr349Cys (NM_199053.3); short protein forms Y349C.
Identifiers: ClinVar variation 1350843 (VCV001350843.9), dbSNP rs750711449, ClinGen allele CA3151771.

ClinVar aggregate classification (germline): Uncertain significance. Review status: criteria provided, multiple submitters, no conflicts (2 of 4 stars). 2 submissions from 2 submitters: Uncertain significance (2). Last evaluated 2024-06-24.

Conditions:
Autosomal recessive limb-girdle muscular dystrophy type R18 (LGMDR18). Also called: Limb-girdle muscular dystrophy, type 2S; Autosomal recessive limb-girdle muscular dystrophy type 2S; MUSCULAR DYSTROPHY, LIMB-GIRDLE, AUTOSOMAL RECESSIVE 18. Identifiers: Orphanet 369840, MedGen C4517996, MONDO:0014144, OMIM 615356.

Allele frequency attached by ClinVar (database versions not stated): ExAC 0.00001; gnomAD exomes 0.00001; TOPMed 0.00001.
gnomAD v4.1: 10 of 1,614,064 alleles (0.00062%); highest among the groups gnomAD compares: East Asian, 0.0045%; no homozygotes.

Submissions (2):

Revvity Omics, Revvity
Classification: Uncertain significance for Autosomal recessive limb-girdle muscular dystrophy type R18. Last evaluated: 2024-06-24. Review status: criteria provided, single submitter. Criteria: ACMG Guidelines, 2015. Collection method: clinical testing. Allele origin: germline.

Labcorp Genetics (formerly Invitae), Labcorp
Classification: Uncertain significance for Autosomal recessive limb-girdle muscular dystrophy type R18. Last evaluated: 2021-07-13. Review status: criteria provided, single submitter. Criteria: Invitae Variant Classification Sherloc (09022015). Collection method: clinical testing. Allele origin: germline.
Comment: This sequence change replaces tyrosine with cysteine at codon 349 of the TRAPPC11 protein (p.Tyr349Cys). The tyrosine residue is highly conserved and there is a large physicochemical difference between tyrosine and cysteine. This variant is present in population databases (rs750711449, ExAC 0.001%). This variant has not been reported in the literature in individuals affected with TRAPPC11-related conditions. Algorithms developed to predict the effect of missense changes on protein structure and function (SIFT, PolyPhen-2, Align-GVGD) all suggest that this variant is likely to be disruptive. In summary, the available evidence is currently insufficient to determine the role of this variant in disease. Therefore, it has been classified as a Variant of Uncertain Significance.